The following is an entry in ClinVar:

ClinVar aggregate classification (germline): Uncertain significance (1 of 4 stars; one submission).

Conditions:
Inborn genetic diseases. Identifiers: MedGen C0950123, MeSH D030342.

Submission:

Ambry Genetics
Classification: Uncertain significance for Inborn genetic diseases. Last evaluated: 2026-03-09. Review status: criteria provided, single submitter. Criteria: Ambry Variant Classification Scheme 2023. Collection method: clinical testing. Allele origin: germline.
Comment: The p.V168L variant (also known as c.502G>C), located in coding exon 4 of the ELANE gene, results from a G to C substitution at nucleotide position 502. The valine at codon 168 is replaced by leucine, an amino acid with highly similar properties. This amino acid position is conserved. In addition, the in silico prediction for this alteration is inconclusive. Based on the available evidence, the clinical significance of this variant remains unclear.

NM_001972.4(ELANE):c.502G>C (p.Val168Leu)

Gene: ELANE (elastase, neutrophil expressed; plus strand). Cytogenetic location: 19p13.3.
Variant type: single nucleotide variant.
Coding change: c.502G>C on transcript NM_001972.4 (MANE Select); coding-DNA position 502, G replaced by C.
Protein change: p.Val168Leu; replaces valine 168 with leucine.
Molecular consequence: missense variant.
Genome position (GRCh38, 1-based): chr19:855,699, G>C. VCF-style: chr19-855699-G-C. GRCh37 (hg19) VCF-style: chr19-855699-G-C.
Other names: short protein forms V168L.
Identifiers: ClinVar variation 4826509 (VCV004826509.1).